The following is an entry in ClinVar:

ClinVar aggregate classification (germline): Conflicting classifications of pathogenicity. Review status: criteria provided, conflicting classifications (1 of 4 stars). 2 submissions from 2 submitters: Uncertain significance (1); Likely benign (1). Last evaluated 2024-09-30.

Conditions:
Hereditary cancer-predisposing syndrome. Also called: Neoplastic Syndromes, Hereditary; Tumor predisposition; Hereditary neoplastic syndrome; Hereditary Cancer Syndrome. Identifiers: Orphanet 140162, MedGen C0027672, MeSH D009386, MONDO:0015356.
Birt-Hogg-Dube syndrome. Also called: Birt Hogg Dubé syndrome. Identifiers: Orphanet 122, MedGen C0346010, MONDO:0800444.

Submissions (2):

Ambry Genetics
Classification: Likely benign for Hereditary cancer-predisposing syndrome. Last evaluated: 2024-09-30. Review status: criteria provided, single submitter. Criteria: Ambry Variant Classification Scheme 2023. Collection method: clinical testing. Allele origin: germline.

Labcorp Genetics (formerly Invitae), Labcorp
Classification: Uncertain significance for Birt-Hogg-Dube syndrome. Last evaluated: 2021-04-21. Review status: criteria provided, single submitter. Criteria: Invitae Variant Classification Sherloc (09022015). Collection method: clinical testing. Allele origin: germline.
Comment: In summary, the available evidence is currently insufficient to determine the role of this variant in disease. Therefore, it has been classified as a Variant of Uncertain Significance. Algorithms developed to predict the effect of missense changes on protein structure and function output the following: SIFT: "Tolerated"; PolyPhen-2: "Benign"; Align-GVGD: "Class C0". The asparagine amino acid residue is found in multiple mammalian species, suggesting that this missense change does not adversely affect protein function. These predictions have not been confirmed by published functional studies and their clinical significance is uncertain. This variant has not been reported in the literature in individuals with FLCN-related conditions. This variant is not present in population databases (ExAC no frequency). This sequence change replaces serine with asparagine at codon 337 of the FLCN protein (p.Ser337Asn). The serine residue is weakly conserved and there is a small physicochemical difference between serine and asparagine.

NM_144997.7(FLCN):c.1010G>A (p.Ser337Asn)

Gene: FLCN (folliculin; minus strand). Cytogenetic location: 17p11.2.
Variant type: single nucleotide variant.
Coding change: c.1010G>A on transcript NM_144997.7 (MANE Select); coding-DNA position 1010, G replaced by A.
Protein change: p.Ser337Asn; replaces serine 337 with asparagine.
Molecular consequence: missense variant.
Genome position (GRCh38, 1-based): chr17:17,219,071, C>T on the plus strand (G>A on the coding strand, the complement: FLCN is on the minus strand). VCF-style: chr17-17219071-C-T. GRCh37 (hg19) VCF-style: chr17-17122385-C-T.
Other names: c.1010G>A (NM_144997.5); c.1064G>A, p.Ser355Asn (NM_001353229.2); c.1010G>A, p.Ser337Asn (NM_001353230.2, NM_001353231.2); short protein forms S337N, S355N.
Identifiers: ClinVar variation 1489649 (VCV001489649.7), dbSNP rs2144894596, ClinGen allele CA398532781.
Genomic context (GRCh38, chr17:17,219,071, plus strand): 5'-CCGCCTACCTGCCTCATGTGCCGGAGGGACTTGAAGACTGGCAGCTTCCGGGGCTGCCAG[C>T]TCCCACAGCCTGAGAGAGAGGAGGACTCTGCCGGGCCCTGGGTCAGCTCCCGCCCTTCTG-3'
Protein context (NP_659434.2, residues 327-347): AESSSLSGCG[Ser337Asn]WQPRKLPVFK